The following is an entry in ClinVar:

ClinVar aggregate classification (germline): Uncertain significance. Review status: criteria provided, multiple submitters, no conflicts (2 of 4 stars). 2 submissions from 2 submitters: Uncertain significance (2). Last evaluated 2023-10-04.

Conditions:
Hereditary cancer-predisposing syndrome. Also called: Neoplastic Syndromes, Hereditary; Tumor predisposition; Hereditary neoplastic syndrome; Hereditary Cancer Syndrome. Identifiers: Orphanet 140162, MedGen C0027672, MeSH D009386, MONDO:0015356.
Bloom syndrome (BLM). Also called: Bloom-Torre-Machacek syndrome. Identifiers: Orphanet 125, MedGen C0005859, MONDO:0008876, OMIM 210900.

Submissions (2):

Labcorp Genetics (formerly Invitae), Labcorp
Classification: Uncertain significance for Bloom syndrome. Last evaluated: 2023-10-04. Review status: criteria provided, single submitter. Criteria: Invitae Variant Classification Sherloc (09022015). Collection method: clinical testing. Allele origin: germline.
Comment: This sequence change replaces aspartic acid, which is acidic and polar, with tyrosine, which is neutral and polar, at codon 1294 of the BLM protein (p.Asp1294Tyr). This variant is not present in population databases (gnomAD no frequency). This variant has not been reported in the literature in individuals affected with BLM-related conditions. ClinVar contains an entry for this variant (Variation ID: 824332). Advanced modeling of protein sequence and biophysical properties (such as structural, functional, and spatial information, amino acid conservation, physicochemical variation, residue mobility, and thermodynamic stability) performed at Invitae indicates that this missense variant is not expected to disrupt BLM protein function. In summary, the available evidence is currently insufficient to determine the role of this variant in disease. Therefore, it has been classified as a Variant of Uncertain Significance.

Ambry Genetics
Classification: Uncertain significance for Hereditary cancer-predisposing syndrome. Last evaluated: 2021-07-19. Review status: criteria provided, single submitter. Criteria: Ambry Variant Classification Scheme 2023. Collection method: clinical testing. Allele origin: germline.
Comment: The p.D1294Y variant (also known as c.3880G>T), located in coding exon 20 of the BLM gene, results from a G to T substitution at nucleotide position 3880. The aspartic acid at codon 1294 is replaced by tyrosine, an amino acid with highly dissimilar properties. This amino acid position is not well conserved in available vertebrate species. In addition, this alteration is predicted to be tolerated by in silico analysis. Since supporting evidence is limited at this time, the clinical significance of this alteration remains unclear.

NM_000057.4(BLM):c.3880G>T (p.Asp1294Tyr)

Gene: BLM (BLM RecQ like helicase; plus strand). Cytogenetic location: 15q26.1.
Variant type: single nucleotide variant.
Coding change: c.3880G>T on transcript NM_000057.4 (MANE Select); coding-DNA position 3880, G replaced by T.
Protein change: p.Asp1294Tyr; replaces aspartic acid 1294 with tyrosine.
Molecular consequence: missense variant.
Genome position (GRCh38, 1-based): chr15:90,811,210, G>T. VCF-style: chr15-90811210-G-T. GRCh37 (hg19) VCF-style: chr15-91354440-G-T.
Other names: c.3880G>T, p.Asp1294Tyr (NM_001287246.2); c.3487G>T, p.Asp1163Tyr (NM_001287247.2); c.2755G>T, p.Asp919Tyr (NM_001287248.2); short protein forms D919Y, D1163Y, D1294Y.
Identifiers: ClinVar variation 824332 (VCV000824332.7), dbSNP rs560132774, ClinGen allele CA393850364.
Genomic context (GRCh38, chr15:90,811,210, plus strand): 5'-AAACACGTGGACCAGTGCGACATCACCTGTAAACATCTGCATTTTCCATTTGTAGCTGAA[G>T]ACAGTTCCCCAGGGATAAGCCTGTCCAGCAGCAGAGGCCCCGGAAGAAGTGCCGCTGAGG-3'
Protein context (NP_000048.1, residues 1284-1304): KYSEWTSPAE[Asp1294Tyr]SSPGISLSSS